The following is an entry in ClinVar:

NM_004453.4(ETFDH):c.572G>A (p.Gly191Asp)

Gene: ETFDH (electron transfer flavoprotein dehydrogenase; plus strand). Cytogenetic location: 4q32.1.
Variant type: single nucleotide variant.
Coding change: c.572G>A on transcript NM_004453.4 (MANE Select); coding-DNA position 572, G replaced by A.
Protein change: p.Gly191Asp; replaces glycine 191 with aspartic acid.
Molecular consequence: missense variant.
Genome position (GRCh38, 1-based): chr4:158,685,185, G>A. VCF-style: chr4-158685185-G-A. GRCh37 (hg19) VCF-style: chr4-159606337-G-A.
Other names: p.G191D:GGT>GAT; c.389G>A, p.Gly130Asp (NM_001281738.1); c.431G>A, p.Gly144Asp (NM_001281737.2); short protein forms G191D, G130D, G144D.
Identifiers: ClinVar variation 203715 (VCV000203715.27), dbSNP rs147219158, ClinGen allele CA312529.

ClinVar aggregate classification (germline): Conflicting classifications of pathogenicity. Review status: criteria provided, conflicting classifications (1 of 4 stars). 7 submissions from 7 submitters: Uncertain significance (4); Likely benign (1). 2 of the submissions do not count toward it. Last evaluated 2026-01-29.

Conditions:
ETFDH-related disorder. Also called: ETFDH-related condition.
Multiple acyl-CoA dehydrogenase deficiency (MADD). Also called: Glutaric aciduria, type 2; Glutaric acidemia type II; GA 2; Glutaric Acidemia type 2; ETHYLMALONIC-ADIPICACIDURIA; GA II. Identifiers: Orphanet 26791, MedGen C0268596, MONDO:0009282, OMIM 231680.
Hypertrophic cardiomyopathy. Also called: HYPERTROPHIC MYOCARDIOPATHY. Identifiers: Orphanet 217569, MedGen C0007194, MeSH D002312, MONDO:0005045, HP:0001639.

Allele frequency attached by ClinVar (database versions not stated): 1000 Genomes Project 30x 0.00016; gnomAD 0.00034 and 0.00039; ESP Exome Variant Server 0.00038; TOPMed 0.00041; gnomAD exomes 0.00042 and 0.00059; ExAC 0.00051.
gnomAD v4.1: 696 of 1,611,076 alleles (0.043%); highest among the groups gnomAD compares: Middle Eastern, 0.15%; 4 homozygotes.

Submissions (7):

Labcorp Genetics (formerly Invitae), Labcorp
Classification: Likely benign for Multiple acyl-CoA dehydrogenase deficiency. Last evaluated: 2026-01-29. Review status: criteria provided, single submitter. Criteria: Invitae Variant Classification Sherloc (09022015). Collection method: clinical testing. Allele origin: germline.

GeneDx
Classification: Uncertain significance. Last evaluated: 2025-05-02. Review status: criteria provided, single submitter. Criteria: GeneDx Variant Classification Process June 2021. Collection method: clinical testing. Allele origin: germline. Affected: yes.
Comment: In silico analysis supports that this missense variant has a deleterious effect on protein structure/function; Has not been previously published as pathogenic or benign to our knowledge; This variant is associated with the following publications: (PMID: 37845732)

Blueprint Genetics
Classification: Uncertain significance. Last evaluated: 2024-09-18. Review status: criteria provided, single submitter. Criteria: ACMG Guidelines, 2015. Collection method: clinical testing. Allele origin: germline.

Mayo Clinic Laboratories, Mayo Clinic
Classification: Uncertain significance. Last evaluated: 2020-12-08. Review status: criteria provided, single submitter. Criteria: ACMG Guidelines, 2015. Collection method: clinical testing. Allele origin: germline. Observed: 1 variant allele.

Illumina Laboratory Services, Illumina
Classification: Uncertain significance for Multiple acyl-CoA dehydrogenase deficiency. Last evaluated: 2017-04-27. Review status: criteria provided, single submitter. Criteria: ICSL Variant Classification Criteria 13 December 2019. Collection method: clinical testing. Allele origin: germline.

PreventionGenetics, part of Exact Sciences
Classification: Likely benign for ETFDH-related condition. Last evaluated: 2019-09-17. Review status: no assertion criteria provided. Collection method: clinical testing. Allele origin: germline. Not counted in ClinVar's aggregate classification.
Comment: This variant is classified as likely benign based on ACMG/AMP sequence variant interpretation guidelines (Richards et al. 2015 PMID: 25741868, with internal and published modifications).

Genetics and Genomics Program, Sidra Medicine
Classification: Likely pathogenic for Hypertrophic cardiomyopathy. Review status: no assertion criteria provided. Collection method: research. Allele origin: inherited. Affected: yes and no. Observed: 5 variant alleles, 3 heterozygotes, 2 homozygotes. Not counted in ClinVar's aggregate classification.